The following is an entry in ClinVar:

ClinVar aggregate classification (germline): Uncertain significance (1 of 4 stars; one submission).

Conditions:
Periventricular nodular heterotopia 9. Identifiers: MedGen C5394503, MONDO:0030061, OMIM 618918.

Allele frequency attached by ClinVar (database versions not stated): gnomAD exomes below 0.00001; TOPMed below 0.00001.
gnomAD v4.1: 2 of 1,614,146 alleles (0.00012%); highest among the groups gnomAD compares: African/African-American, 0.0027%; no homozygotes.

Submission:

New York Genome Center
Classification: Uncertain significance for Periventricular nodular heterotopia 9. Last evaluated: 2021-09-26. Review status: criteria provided, single submitter. Criteria: NYGC Assertion Criteria 2020. Collection method: clinical testing. Allele origin: inherited. Observed: 1 heterozygote. Study: CSER-NYCKidSeq.
Comment: The inherited heterozygous c.6324G>C (p. Glu2108Asp) missense variant identified in the MAP1B gene has not been reported in affected individuals in the literature. The variant is absent from gnomAD(v3) database, suggesting it is not a common benign variant in the populations represented in that database. The variant affects an evolutionarily conserved residue. In silico prediction tools provide conflicting predictions about potential pathogenicity of this variant(CADD score = 23, REVEL score = 0.087). Incomplete penetrance and variable expressivity has been reported for MAP1B-associated disorder [MIM# 618918]. Based on the available evidence, the inherited heterozygous c.6324G>C (p.Glu2108Asp) variant identified in the MAP1B gene is reported as a Variant of Uncertain Significance.

NM_005909.5(MAP1B):c.6324G>C (p.Glu2108Asp)

Gene: MAP1B (microtubule associated protein 1B; plus strand). Cytogenetic location: 5q13.2.
Variant type: single nucleotide variant.
Coding change: c.6324G>C on transcript NM_005909.5 (MANE Select); coding-DNA position 6324, G replaced by C.
Protein change: p.Glu2108Asp; replaces glutamic acid 2108 with aspartic acid.
Molecular consequence: missense variant.
Genome position (GRCh38, 1-based): chr5:72,199,679, G>C. VCF-style: chr5-72199679-G-C. GRCh37 (hg19) VCF-style: chr5-71495506-G-C.
Other names: c.5946G>C, p.Glu1982Asp (NM_001324255.2); short protein forms E1982D, E2108D.
Identifiers: ClinVar variation 1701651 (VCV001701651.1), dbSNP rs888037943, ClinGen allele CA120033945.